The following is an entry in ClinVar:

ClinVar aggregate classification (germline): Uncertain significance (1 of 4 stars; one submission).

Conditions:
Hoyeraal-Hreidarsson syndrome (HHS). Also called: CEREBELLAR HYPOPLASIA WITH PANCYTOPENIA. Identifiers: Orphanet 3322, MedGen C1846142, MONDO:0018045.
Autosomal recessive dyskeratosis congenita. Identifiers: MedGen C3502105.

Allele frequency attached by ClinVar (database versions not stated): gnomAD exomes below 0.00001; ExAC 0.00001.

Submission:

Labcorp Genetics (formerly Invitae), Labcorp
Classification: Uncertain significance for Hoyeraal-Hreidarsson syndrome; Autosomal recessive dyskeratosis congenita. Last evaluated: 2017-12-27. Review status: criteria provided, single submitter. Criteria: Invitae Variant Classification Sherloc (09022015). Collection method: clinical testing. Allele origin: germline.
Comment: This sequence change results in a premature translational stop signal in the DCLRE1B gene (p.Ser486Lysfs*11). While this is not anticipated to result in nonsense mediated decay, it is expected to disrupt the last 47 amino acids of the DCLRE1B protein. This variant is present in population databases (rs779442399, ExAC 0.002%). This variant has not been reported in the literature in individuals with DCLRE1B-related disease. In summary, the available evidence is currently insufficient to determine the role of this variant in disease. Therefore, it has been classified as a Variant of Uncertain Significance.

NM_022836.4(DCLRE1B):c.1456dup (p.Ser486fs)

Gene: DCLRE1B (DNA cross-link repair 1B; plus strand). Cytogenetic location: 1p13.2.
Variant type: Duplication.
Coding change: c.1456dup on transcript NM_022836.4 (MANE Select); coding-DNA position 1456, one base duplicated (A; older notation c.1456dupA).
Protein change: p.Ser486fs; shifts the reading frame from serine 486.
Molecular consequence: frameshift variant. On other transcripts: intron variant (2).
Genome position (GRCh38, 1-based): chr1:113,912,048, A duplicated. VCF-style (leftmost placement, unchanged base first): chr1-113912047-C-CA. GRCh37 (hg19) VCF-style: chr1-114454669-C-CA.
Other names: c.1456dup, p.Ser486fs (LRG_1219t1); c.1078dup, p.Ser360fs (NM_001319946.2, NM_001319947.2); c.1247-84dup (NM_001363690.2); c.869-84dup (NM_001363691.2); c.1456dupA (NM_022836.3); short protein forms S360fs, S486fs.
Identifiers: ClinVar variation 533711 (VCV000533711.6), dbSNP rs779442399, ClinGen allele CA1016594.
Genomic context (GRCh38, chr1:113,912,047, plus strand): 5'-AGGTCCAGAAGCCACAGGGAATCAGAGTGCCTGGATGGGCCATGGTTCTCCCCTGTCCCA[C>CA]AGCAGCAAGGGCACCCCTCTTCTAGCTACTGAATTCAGGGGTCTAGCACTCAAATATCTT-3'